The following is an entry in ClinVar:

ClinVar aggregate classification (germline): Uncertain significance (1 of 4 stars; one submission).

Submission:

Women's Health and Genetics/Laboratory Corporation of America, LabCorp
Classification: Uncertain significance. Last evaluated: 2026-03-03. Review status: criteria provided, single submitter. Criteria: LabCorp Variant Classification Summary - May 2015. Collection method: clinical testing. Allele origin: germline.
Comment: Variant summary: KMT2A c.9721_9729delAGTACCCCT (p.Thr3242_Ser3244del) results in an in-frame deletion that is predicted to remove three amino acids from the encoded protein. The variant was absent in 251422 control chromosomes. The available data on variant occurrences in the general population are insufficient to allow any conclusion about variant significance. To our knowledge, no occurrence of c.9721_9729delAGTACCCCT in individuals affected with KMT2A-related conditions and no experimental evidence demonstrating its impact on protein function have been reported. No submitters have cited clinical-significance assessments for this variant to ClinVar. Based on the evidence outlined above, the variant was classified as uncertain significance.

NM_001197104.2(KMT2A):c.9721_9729del (p.Thr3242_Ser3244del)

Gene: KMT2A (lysine methyltransferase 2A; plus strand). Cytogenetic location: 11q23.3.
Variant type: Deletion.
Coding change: c.9721_9729del on transcript NM_001197104.2 (MANE Select); coding-DNA positions 9721 to 9729, 9 bases deleted (AGTACCCCT; older notation c.9721_9729delAGTACCCCT).
Protein change: p.Thr3242_Ser3244del.
Genome position (GRCh38, 1-based): chr11:118,505,613-118,505,621, AGTACCCCT deleted; deleting any 9 consecutive bases within chr11:118,505,611-118,505,621 gives the same sequence; the c. name uses the placement nearest the transcript's 3' end. VCF-style (leftmost placement, unchanged base first): chr11-118505610-TCTAGTACCC-T. GRCh37 (hg19) VCF-style: chr11-118376325-TCTAGTACCC-T.
Other names: c.9721_9729delAGTACCCCT (NM_001197104.2); c.9811_9819del, p.Thr3272_Ser3274del (NM_001412597.1); c.9712_9720del, p.Thr3239_Ser3241del (NM_005933.4).
Identifiers: ClinVar variation 4847523 (VCV004847523.1).